The following is an entry in ClinVar:

ClinVar aggregate classification (germline): Uncertain significance (1 of 4 stars; one submission).

Conditions:
Tuberous sclerosis syndrome (TSC). Also called: Tuberous Sclerosis Complex; Tuberous sclerosis. Identifiers: Orphanet 805, MedGen C0041341, MONDO:0001734.

gnomAD v4.1: 1 of 1,614,070 alleles (0.000062%); highest among the groups gnomAD compares: East Asian, 0.0022%; no homozygotes.

Submission:

Color Diagnostics, LLC DBA Color Health
Classification: Uncertain significance for Tuberous sclerosis syndrome. Last evaluated: 2025-08-28. Review status: criteria provided, single submitter. Criteria: ACMG Guidelines, 2015. Collection method: clinical testing. Allele origin: germline.
Comment: This missense variant replaces serine with cysteine at codon 35 of the TSC1 protein. Computational prediction suggests that this variant may not impact protein structure and function. To our knowledge, functional studies have not been reported for this variant. This variant has not been reported in individuals affected with TSC1-related disorders in the literature. This variant has not been identified in the general population by the Genome Aggregation Database (gnomAD). The available evidence is insufficient to determine the role of this variant in disease conclusively. Therefore, this variant is classified as a Variant of Uncertain Significance.

NM_000368.5(TSC1):c.104C>G (p.Ser35Cys)

Gene: TSC1 (TSC complex subunit 1; minus strand). Cytogenetic location: 9q34.13.
Variant type: single nucleotide variant.
Coding change: c.104C>G on transcript NM_000368.5 (MANE Select); coding-DNA position 104, C replaced by G.
Protein change: p.Ser35Cys; replaces serine 35 with cysteine.
Molecular consequence: missense variant. On other transcripts: 5 prime UTR variant (16), non-coding transcript variant (5), intron variant (2).
Genome position (GRCh38, 1-based): chr9:132,928,769, G>C on the plus strand (C>G on the coding strand, the complement: TSC1 is on the minus strand). VCF-style: chr9-132928769-G-C. GRCh37 (hg19) VCF-style: chr9-135804156-G-C.
Other names: c.104C>G, p.Ser35Cys (NM_001162426.2, NM_001162427.2, NM_001406592.1 and 21 more transcripts); c.-156C>G (NM_001362177.2, NM_001406617.1, NM_001406619.1 and 3 more transcripts); c.-248C>G (NM_001406614.1); c.-385C>G (NM_001406615.1, NM_001406623.1); c.-352C>G (NM_001406616.1, NM_001406624.1); c.-774C>G (NM_001406626.1, NM_001406627.1, NM_001406628.1); c.-916C>G (NM_001406629.1); c.-990C>G (NM_001406630.1); and 1 more; short protein forms S35C.
Identifiers: ClinVar variation 4757940 (VCV004757940.1).
Genomic context (GRCh38, chr9:132,928,769, plus strand): 5'-TCTAAAGTCAATCTCTTCTTTCTAGAAGATAAGCTAAAAAGGATATTATTTTGCTAACCA[G>C]AATTGAGGTTCTCTTTAAAGACAGCTGTCACGTCGTCCCGCACACCCAGCATGGGGGAGT-3'
Protein context (NP_000359.1, residues 25-45): VTAVFKENLN[Ser35Cys]DRGPMLVNTL